The following is an entry in ClinVar:

NM_000552.5(VWF):c.3798del (p.Leu1267fs)

Gene: VWF (von Willebrand factor; minus strand). Cytogenetic location: 12p13.31.
Variant type: Deletion.
Coding change: c.3798del on transcript NM_000552.5 (MANE Select); coding-DNA position 3798, one base deleted (G; older notation c.3798delG).
Protein change: p.Leu1267fs; shifts the reading frame from leucine 1267.
Molecular consequence: frameshift variant.
Genome position (GRCh38, 1-based): chr12:6,019,620, C deleted on the plus strand (G on the coding strand, the reverse complement: VWF is on the minus strand). VCF-style (leftmost placement, unchanged base first): chr12-6019619-AC-A. GRCh37 (hg19) VCF-style: chr12-6128785-AC-A.
Other names: short protein forms L1267fs.
Identifiers: ClinVar variation 3572165 (VCV003572165.1).

ClinVar aggregate classification (germline): Likely pathogenic (1 of 4 stars; one submission).

Submission:

Quest Diagnostics Nichols Institute San Juan Capistrano
Classification: Likely pathogenic. Last evaluated: 2024-03-21. Review status: criteria provided, single submitter. Criteria: Quest Diagnostics criteria. Collection method: clinical testing. Allele origin: unknown.
Comment: The VWF c.3798del (p.Leu1267Cysfs*30) variant alters the translational reading frame of the VWF mRNA and is predicted to cause the premature termination of VWF protein synthesis. This variant has not been reported in individuals with VWF-related conditions in the published literature. This variant has not been reported in large, multi-ethnic general populations (Genome Aggregation Database). Based on the available information, this variant is classified as likely pathogenic.